The following is an entry in ClinVar:

NM_014283.5(SUCO):c.1216G>A (p.Val406Ile)

Gene: SUCO (SUN domain containing ossification factor; plus strand). Cytogenetic location: 1q24.3.
Variant type: single nucleotide variant.
Coding change: c.1216G>A on transcript NM_014283.5 (MANE Select); coding-DNA position 1216, G replaced by A.
Protein change: p.Val406Ile; replaces valine 406 with isoleucine.
Molecular consequence: missense variant. On other transcripts: 5 prime UTR variant (1).
Genome position (GRCh38, 1-based): chr1:172,575,576, G>A. VCF-style: chr1-172575576-G-A. GRCh37 (hg19) VCF-style: chr1-172544716-G-A.
Other names: c.1105G>A, p.Val369Ile (NM_001282750.2); c.-314G>A (NM_001282751.2); c.1690G>A, p.Val564Ile (NM_016227.4); c.1216G>A (NM_014283.3); short protein forms V369I, V564I, V406I.
Identifiers: ClinVar variation 1398716 (VCV001398716.8), dbSNP rs148495529, ClinGen allele CA1246775.
Genomic context (GRCh38, chr1:172,575,576, plus strand): 5'-AGATATCCAACAAATAAGTGGATTAAGCTGGGTACTTTTCATGGTAGAGATGAGCGGAAT[G>A]TACAGAGTTTCCCTTTAGATGAACAGATGTATGCAAAATATGTCAAGGTAATGTTTACAC-3'
Protein context (NP_055098.1, residues 396-416): GTFHGRDERN[Val406Ile]QSFPLDEQMY

ClinVar aggregate classification (germline): Uncertain significance. Review status: criteria provided, multiple submitters, no conflicts (2 of 4 stars). 3 submissions from 3 submitters: Uncertain significance (3). Last evaluated 2025-11-23.

Allele frequency attached by ClinVar (database versions not stated): gnomAD 0.00021 and 0.00017; gnomAD exomes 0.00025 and 0.00024; 1000 Genomes Project 30x 0.00016; ExAC 0.00025; TOPMed 0.00028; ESP Exome Variant Server 0.00031; 1000 Genomes Project 0.00020.
gnomAD v4.1: 393 of 1,612,304 alleles (0.024%); highest among the groups gnomAD compares: Middle Eastern, 0.083%; 1 homozygote.

Submissions (3):

Labcorp Genetics (formerly Invitae), Labcorp
Classification: Uncertain significance. Last evaluated: 2025-11-23. Review status: criteria provided, single submitter. Criteria: Invitae Variant Classification Sherloc (09022015). Collection method: clinical testing. Allele origin: germline.
Comment: This sequence change replaces valine, which is neutral and non-polar, with isoleucine, which is neutral and non-polar, at codon 406 of the SUCO protein (p.Val406Ile). This variant is present in population databases (rs148495529, gnomAD 0.04%). This variant has not been reported in the literature in individuals affected with SUCO-related conditions. ClinVar contains an entry for this variant (Variation ID: 1398716). An algorithm developed to predict the effect of missense changes on protein structure and function (PolyPhen-2) suggests that this variant is likely to be disruptive. In summary, the available evidence is currently insufficient to determine the role of this variant in disease. Therefore, it has been classified as a Variant of Uncertain Significance.

Ambry Genetics
Classification: Uncertain significance. Last evaluated: 2021-08-04. Review status: criteria provided, single submitter. Criteria: Ambry Variant Classification Scheme 2023. Collection method: clinical testing. Allele origin: germline.

Breakthrough Genomics
Classification: Uncertain significance. Review status: criteria provided, single submitter. Criteria: ACMG Guidelines, 2015. Collection method: not provided. Allele origin: germline. Inheritance: Unknown mechanism. Affected: yes.